The following is an entry in ClinVar:

NM_181426.2(CCDC39):c.1922G>A (p.Arg641Lys)

Gene: CCDC39 (coiled-coil domain 39 molecular ruler complex subunit; minus strand). Cytogenetic location: 3q26.33.
Variant type: single nucleotide variant.
Coding change: c.1922G>A on transcript NM_181426.2 (MANE Select); coding-DNA position 1922, G replaced by A.
Protein change: p.Arg641Lys; replaces arginine 641 with lysine.
Molecular consequence: missense variant.
Genome position (GRCh38, 1-based): chr3:180,631,545, C>T on the plus strand (G>A on the coding strand, the complement: CCDC39 is on the minus strand). VCF-style: chr3-180631545-C-T. GRCh37 (hg19) VCF-style: chr3-180349333-C-T.
Other names: short protein forms R641K.
Identifiers: ClinVar variation 2757318 (VCV002757318.3), dbSNP rs1717697292, ClinGen allele CA355307808.
Genomic context (GRCh38, chr3:180,631,545, plus strand): 5'-GCCTGTGTTTTCTCCTCTTCTCCTTCAGGAGGCAGCATAACAACAGTCAGAATTTCATAT[C>T]TATTCTTCAGCTTCTCAATTTTACTTAGCCGCTCGCGAAACTCAGTGCTAATAAGAAAAA-3'
Protein context (NP_852091.1, residues 631-651): RLSKIEKLKN[Arg641Lys]YEILTVVMLP

ClinVar aggregate classification (germline): Uncertain significance (1 of 4 stars; one submission).

Conditions:
Primary ciliary dyskinesia. Also called: Ciliary dyskinesia. Identifiers: Orphanet 244, MedGen C0008780, MONDO:0016575, HP:0012265.

Submission:

Labcorp Genetics (formerly Invitae), Labcorp
Classification: Uncertain significance for Primary ciliary dyskinesia. Last evaluated: 2024-12-02. Review status: criteria provided, single submitter. Criteria: Invitae Variant Classification Sherloc (09022015). Collection method: clinical testing. Allele origin: germline.
Comment: This sequence change replaces arginine, which is basic and polar, with lysine, which is basic and polar, at codon 641 of the CCDC39 protein (p.Arg641Lys). This variant is not present in population databases (gnomAD no frequency). This variant has not been reported in the literature in individuals affected with CCDC39-related conditions. ClinVar contains an entry for this variant (Variation ID: 2757318). An algorithm developed to predict the effect of missense changes on protein structure and function (PolyPhen-2) suggests that this variant is likely to be tolerated. In summary, the available evidence is currently insufficient to determine the role of this variant in disease. Therefore, it has been classified as a Variant of Uncertain Significance.